The following is an entry in ClinVar:

NM_001100.4(ACTA1):c.715G>A (p.Glu239Lys)

Gene: ACTA1 (actin alpha 1, skeletal muscle; minus strand). Cytogenetic location: 1q42.13.
Variant type: single nucleotide variant.
Coding change: c.715G>A on transcript NM_001100.4 (MANE Select); coding-DNA position 715, G replaced by A.
Protein change: p.Glu239Lys; replaces glutamic acid 239 with lysine.
Molecular consequence: missense variant.
Genome position (GRCh38, 1-based): chr1:229,432,087, C>T on the plus strand (G>A on the coding strand, the complement: ACTA1 is on the minus strand). VCF-style: chr1-229432087-C-T. GRCh37 (hg19) VCF-style: chr1-229567834-C-T.
Other names: short protein forms E239K.
Identifiers: ClinVar variation 289023 (VCV000289023.10), dbSNP rs886044062, ClinGen allele CA10606300.

ClinVar aggregate classification (germline): Conflicting classifications of pathogenicity. Review status: criteria provided, conflicting classifications (1 of 4 stars). 2 submissions from 2 submitters: Pathogenic (1); Uncertain significance (1). Last evaluated 2025-12-01.

Submissions (2):

CeGaT Center for Human Genetics Tuebingen
Classification: Pathogenic. Last evaluated: 2025-12-01. Review status: criteria provided, single submitter. Criteria: CeGaT Center For Human Genetics Tuebingen Variant Classification Criteria Version 2. Collection method: clinical testing. Allele origin: germline. Affected: yes. Observed: 1 variant allele.
Comment: ACTA1: PM1, PM2, PP4:Moderate, PS2:Moderate, PS4:Moderate, PP2, PP3

Eurofins Ntd Llc (ga)
Classification: Uncertain significance. Last evaluated: 2016-07-21. Review status: criteria provided, single submitter. Criteria: EGL Classification Definitions 2015. Collection method: clinical testing. Allele origin: germline. Observed: 1 variant allele, 1 heterozygote.